The following is an entry in ClinVar:

NM_000128.4(F11):c.861C>T (p.Ile287=)

Gene: F11 (coagulation factor XI; plus strand). Cytogenetic location: 4q35.2.
Variant type: single nucleotide variant.
Coding change: c.861C>T on transcript NM_000128.4 (MANE Select); coding-DNA position 861, C replaced by T.
Protein change: p.Ile287=; no amino-acid change (isoleucine 287 retained).
Molecular consequence: synonymous variant.
Genome position (GRCh38, 1-based): chr4:186,280,117, C>T. VCF-style: chr4-186280117-C-T. GRCh37 (hg19) VCF-style: chr4-187201271-C-T.
Identifiers: ClinVar variation 720105 (VCV000720105.51), dbSNP rs5964, ClinGen allele CA3163797.
Genomic context (GRCh38, chr4:186,280,117, plus strand): 5'-ACGCATTAAAAAGAGCAAAGCTCTTTCTGGTTTCAGTCTACAAAGCTGCAGGCACAGCAT[C>T]CCAGGTAAACTGAGAGTTCTGCATTCTGGCTGAGAGTGACCAGCCCCGAGGAGGCTGATA-3'
Protein context (NP_000119.1, residues 277-297): GFSLQSCRHS[Ile287=]PVFCHSSFYH

ClinVar aggregate classification (germline): Conflicting classifications of pathogenicity. Review status: criteria provided, conflicting classifications (1 of 4 stars). 6 submissions from 6 submitters: Uncertain significance (1); Likely benign (4). 1 of the submissions does not count toward it. Last evaluated 2026-02-03.

Conditions:
Plasma factor XI deficiency.
Hereditary factor XI deficiency disease. Also called: PLASMA THROMBOPLASTIN ANTECEDENT DEFICIENCY; PTA DEFICIENCY; ROSENTHAL SYNDROME; Congenital factor XI deficiency. Identifiers: Orphanet 329, MedGen C0015523, MeSH D005173, MONDO:0012897, OMIM 612416.

Allele frequency attached by ClinVar (database versions not stated): 1000 Genomes Project 30x 0.00062; 1000 Genomes Project 0.00080; gnomAD exomes 0.00095 and 0.00156; ExAC 0.00101; gnomAD 0.00107 and 0.00109; TOPMed 0.00111; ESP Exome Variant Server 0.00131.
gnomAD v4.1: 2,453 of 1,614,088 alleles (0.15%); highest among the groups gnomAD compares: Non-Finnish European, 0.19%; 3 homozygotes.

Submissions (6):

Labcorp Genetics (formerly Invitae), Labcorp
Classification: Likely benign. Last evaluated: 2026-02-03. Review status: criteria provided, single submitter. Criteria: Invitae Variant Classification Sherloc (09022015). Collection method: clinical testing. Allele origin: germline.

Laboratory of Genetics, Children's Clinical University Hospital Latvia
Classification: Likely benign. Last evaluated: 2025-02-16. Review status: criteria provided, single submitter. Criteria: ACMG Guidelines, 2015. Collection method: clinical testing. Allele origin: germline. Affected: yes.

Blueprint Genetics
Classification: Likely benign. Last evaluated: 2024-11-15. Review status: criteria provided, single submitter. Criteria: ACMG Guidelines, 2015. Collection method: clinical testing. Allele origin: germline.

CeGaT Center for Human Genetics Tuebingen
Classification: Likely benign. Last evaluated: 2023-12-01. Review status: criteria provided, single submitter. Criteria: CeGaT Center For Human Genetics Tuebingen Variant Classification Criteria Version 2. Collection method: clinical testing. Allele origin: germline. Affected: yes. Observed: 1 variant allele.
Comment: F11: BP4, BP7

Illumina Laboratory Services, Illumina
Classification: Uncertain significance for Hereditary factor XI deficiency disease. Last evaluated: 2018-01-13. Review status: criteria provided, single submitter. Criteria: ICSL Variant Classification Criteria 13 December 2019. Collection method: clinical testing. Allele origin: germline.

Natera, Inc.
Classification: Likely benign for Plasma factor XI deficiency. Last evaluated: 2020-09-16. Review status: no assertion criteria provided. Collection method: clinical testing. Allele origin: germline. Not counted in ClinVar's aggregate classification.